The following is an entry in ClinVar:

ClinVar aggregate classification (germline): Uncertain significance. Review status: criteria provided, multiple submitters, no conflicts (2 of 4 stars). 2 submissions from 2 submitters: Uncertain significance (2). Last evaluated 2025-09-04.

Conditions:
Hereditary cancer-predisposing syndrome. Also called: Neoplastic Syndromes, Hereditary; Tumor predisposition; Hereditary Cancer Syndrome; Hereditary neoplastic syndrome. Identifiers: Orphanet 140162, MedGen C0027672, MeSH D009386, MONDO:0015356.
Renal cell carcinoma. Identifiers: Orphanet 217071, MedGen C0007134, MeSH D002292, MONDO:0005086, HP:0005584.

Submissions (2):

Ambry Genetics
Classification: Uncertain significance for Hereditary cancer-predisposing syndrome. Last evaluated: 2025-09-04. Review status: criteria provided, single submitter. Criteria: Ambry Variant Classification Scheme 2023. Collection method: clinical testing. Allele origin: germline.
Comment: The p.I1136M variant (also known as c.3408A>G), located in coding exon 16 of the MET gene, results from an A to G substitution at nucleotide position 3408. The isoleucine at codon 1136 is replaced by methionine, an amino acid with highly similar properties. This amino acid position is conserved. In addition, this alteration is predicted to be tolerated by in silico analysis. Based on the available evidence, the clinical significance of this variant remains unclear.

Labcorp Genetics (formerly Invitae), Labcorp
Classification: Uncertain significance for Renal cell carcinoma. Last evaluated: 2024-07-19. Review status: criteria provided, single submitter. Criteria: Invitae Variant Classification Sherloc (09022015). Collection method: clinical testing. Allele origin: germline.
Comment: This sequence change replaces isoleucine, which is neutral and non-polar, with methionine, which is neutral and non-polar, at codon 1136 of the MET protein (p.Ile1136Met). This variant is not present in population databases (gnomAD no frequency). This variant has not been reported in the literature in individuals affected with MET-related conditions. ClinVar contains an entry for this variant (Variation ID: 1731137). Advanced modeling of protein sequence and biophysical properties (such as structural, functional, and spatial information, amino acid conservation, physicochemical variation, residue mobility, and thermodynamic stability) performed at Invitae indicates that this missense variant is not expected to disrupt MET protein function with a negative predictive value of 80%. In summary, the available evidence is currently insufficient to determine the role of this variant in disease. Therefore, it has been classified as a Variant of Uncertain Significance.

NM_000245.4(MET):c.3354A>G (p.Ile1118Met)

Gene: MET (MET proto-oncogene, receptor tyrosine kinase; plus strand). Cytogenetic location: 7q31.2.
Variant type: single nucleotide variant.
Coding change: c.3354A>G on transcript NM_000245.4 (MANE Select); coding-DNA position 3354, A replaced by G.
Protein change: p.Ile1118Met; replaces isoleucine 1118 with methionine.
Molecular consequence: missense variant.
Genome position (GRCh38, 1-based): chr7:116,778,789, A>G. VCF-style: chr7-116778789-A-G. GRCh37 (hg19) VCF-style: chr7-116418843-A-G.
Other names: c.3408A>G, p.Ile1136Met (NM_001127500.3); c.2064A>G, p.Ile688Met (NM_001324402.2); short protein forms I688M, I1118M, I1136M.
Identifiers: ClinVar variation 1731137 (VCV001731137.5), dbSNP rs1795066067, ClinGen allele CA368989970.